The following is an entry in ClinVar:

ClinVar aggregate classification (germline): Uncertain significance. Review status: criteria provided, multiple submitters, no conflicts (2 of 4 stars). 2 submissions from 2 submitters: Uncertain significance (2). Last evaluated 2026-02-26.

Submissions (2):

Ambry Genetics
Classification: Uncertain significance. Last evaluated: 2026-02-26. Review status: criteria provided, single submitter. Criteria: Ambry Variant Classification Scheme 2023. Collection method: clinical testing. Allele origin: germline.

Women's Health and Genetics/Laboratory Corporation of America, LabCorp
Classification: Uncertain significance. Last evaluated: 2025-03-19. Review status: criteria provided, single submitter. Criteria: LabCorp Variant Classification Summary - May 2015. Collection method: clinical testing. Allele origin: germline.
Comment: Variant summary: H4C5 c.73G>A (p.Asp25Asn) results in a conservative amino acid change in the encoded protein sequence. Two of four in-silico tools predict a benign effect of the variant on protein function. The variant was absent in 251482 control chromosomes (gnomAD). The available data on variant occurrences in the general population are insufficient to allow any conclusion about variant significance. To our knowledge, no occurrence of c.73G>A in individuals affected with Tessadori-Van Haaften Neurodevelopmental Syndrome 3 and no experimental evidence demonstrating its impact on protein function have been reported. No submitters have cited clinical-significance assessments for this variant to ClinVar. Based on the evidence outlined above, the variant was classified as uncertain significance.

NM_003545.4(H4C5):c.73G>A (p.Asp25Asn)

Genes: H4C5 (H4 clustered histone 5; plus strand), LOC129996027 (ATAC-STARR-seq lymphoblastoid active region 24208; plus strand). Cytogenetic location: 6p22.2.
Variant type: single nucleotide variant.
Coding change: c.73G>A on transcript NM_003545.4 (MANE Select); coding-DNA position 73, G replaced by A.
Protein change: p.Asp25Asn; replaces aspartic acid 25 with asparagine.
Molecular consequence: missense variant.
Genome position (GRCh38, 1-based): chr6:26,204,717, G>A. VCF-style: chr6-26204717-G-A. GRCh37 (hg19) VCF-style: chr6-26204945-G-A.
Other names: c.73G>A (NM_003545.3); short protein forms D25N.
Identifiers: ClinVar variation 3896098 (VCV003896098.2).